The following is an entry in ClinVar:

ClinVar aggregate classification (germline): Uncertain significance (1 of 4 stars; one submission).

Submission:

GeneDx
Classification: Uncertain significance. Last evaluated: 2019-11-25. Review status: criteria provided, single submitter. Criteria: GeneDx Variant Classification Process June 2021. Collection method: clinical testing. Allele origin: germline. Affected: yes.
Comment: Not observed in large population cohorts (Lek et al., 2016); Has not been previously published as pathogenic or benign to our knowledge; In-silico analysis, which includes splice predictors and evolutionary conservation, is inconclusive as to whether the variant alters gene splicing. In the absence of RNA/functional studies, the actual effect of this sequence change is unknown.

NM_001020658.2(PUM1):c.3121-7C>G

Gene: PUM1 (pumilio RNA binding family member 1; minus strand). Cytogenetic location: 1p35.2.
Variant type: single nucleotide variant.
Coding change: c.3121-7C>G on transcript NM_001020658.2 (MANE Select); 7 bases into the intron before coding-DNA position 3121, C replaced by G.
Molecular consequence: intron variant.
Genome position (GRCh38, 1-based): chr1:30,941,279, G>C on the plus strand (C>G on the coding strand, the complement: PUM1 is on the minus strand). VCF-style: chr1-30941279-G-C. GRCh37 (hg19) VCF-style: chr1-31414126-G-C.
Other names: c.3115-7C>G (NM_014676.3).
Identifiers: ClinVar variation 1310316 (VCV001310316.2), dbSNP rs2124388244, ClinGen allele CA2573051558.